The following is an entry in ClinVar:

ClinVar aggregate classification (germline): Uncertain significance (1 of 4 stars; one submission).

Conditions:
Spastic paraplegia. Identifiers: MedGen C0037772, HP:0001258.

Allele frequency attached by ClinVar (database versions not stated): gnomAD exomes below 0.00001.
gnomAD v4.1: 1 of 1,614,090 alleles (0.000062%); no homozygotes.

Submission:

Labcorp Genetics (formerly Invitae), Labcorp
Classification: Uncertain significance for Spastic paraplegia. Last evaluated: 2024-10-17. Review status: criteria provided, single submitter. Criteria: Invitae Variant Classification Sherloc (09022015). Collection method: clinical testing. Allele origin: germline.
Comment: This sequence change replaces glycine, which is neutral and non-polar, with glutamic acid, which is acidic and polar, at codon 353 of the SACS protein (p.Gly353Glu). This variant is not present in population databases (gnomAD no frequency). This variant has not been reported in the literature in individuals affected with SACS-related conditions. ClinVar contains an entry for this variant (Variation ID: 1947806). Invitae Evidence Modeling of protein sequence and biophysical properties (such as structural, functional, and spatial information, amino acid conservation, physicochemical variation, residue mobility, and thermodynamic stability) indicates that this missense variant is not expected to disrupt SACS protein function with a negative predictive value of 95%. In summary, the available evidence is currently insufficient to determine the role of this variant in disease. Therefore, it has been classified as a Variant of Uncertain Significance.

NM_014363.6(SACS):c.1058G>A (p.Gly353Glu)

Gene: SACS (sacsin molecular chaperone; minus strand). Cytogenetic location: 13q12.12.
Variant type: single nucleotide variant.
Coding change: c.1058G>A on transcript NM_014363.6 (MANE Select); coding-DNA position 1058, G replaced by A.
Protein change: p.Gly353Glu; replaces glycine 353 with glutamic acid.
Molecular consequence: missense variant.
Genome position (GRCh38, 1-based): chr13:23,355,554, C>T on the plus strand (G>A on the coding strand, the complement: SACS is on the minus strand). VCF-style: chr13-23355554-C-T. GRCh37 (hg19) VCF-style: chr13-23929693-C-T.
Other names: c.617G>A, p.Gly206Glu (NM_001278055.2); short protein forms G353E, G206E.
Identifiers: ClinVar variation 1947806 (VCV001947806.5), dbSNP rs2542400242, ClinGen allele CA387550428.